The following is an entry in ClinVar:

NM_005477.3(HCN4):c.3541_3544del (p.Thr1181fs)

Gene: HCN4 (hyperpolarization activated cyclic nucleotide gated potassium channel 4; minus strand). Cytogenetic location: 15q24.1.
Variant type: Deletion.
Coding change: c.3541_3544del on transcript NM_005477.3 (MANE Select); coding-DNA positions 3541 to 3544, 4 bases deleted (ACTG; older notation c.3541_3544delACTG).
Protein change: p.Thr1181fs; shifts the reading frame from threonine 1181.
Molecular consequence: frameshift variant.
Genome position (GRCh38, 1-based): chr15:73,322,549-73,322,552, CAGT deleted on the plus strand (ACTG on the coding strand, the reverse complement: HCN4 is on the minus strand); deleting any 4 consecutive bases within chr15:73,322,549-73,322,555 gives the same sequence; the c. name uses the placement nearest the transcript's 3' end. VCF-style (leftmost placement, unchanged base first): chr15-73322548-GCAGT-G. GRCh37 (hg19) VCF-style: chr15-73614889-GCAGT-G.
Other names: short protein forms T1181fs.
Identifiers: ClinVar variation 2007517 (VCV002007517.4), dbSNP rs2549067751, ClinGen allele CA2580089966.

ClinVar aggregate classification (germline): Uncertain significance (1 of 4 stars; one submission).

Conditions:
Brugada syndrome 8 (BRGDA8). Identifiers: Orphanet 130, MedGen C2751083, MONDO:0013148, OMIM 613123.

Submission:

Labcorp Genetics (formerly Invitae), Labcorp
Classification: Uncertain significance for Brugada syndrome 8. Last evaluated: 2023-12-04. Review status: criteria provided, single submitter. Criteria: Invitae Variant Classification Sherloc (09022015). Collection method: clinical testing. Allele origin: germline.
Comment: This sequence change results in a frameshift in the HCN4 gene (p.Thr1181Leufs*47). While this is not anticipated to result in nonsense mediated decay, it is expected to disrupt the last 23 amino acid(s) of the HCN4 protein and extend the protein by 23 additional amino acid residues. This variant is not present in population databases (gnomAD no frequency). This variant has not been reported in the literature in individuals affected with HCN4-related conditions. ClinVar contains an entry for this variant (Variation ID: 2007517). Experimental studies and prediction algorithms are not available or were not evaluated, and the functional significance of this variant is currently unknown. In summary, the available evidence is currently insufficient to determine the role of this variant in disease. Therefore, it has been classified as a Variant of Uncertain Significance.